The following is an entry in ClinVar:

NM_138927.4(SON):c.2671A>G (p.Met891Val)

Gene: SON (SON DNA and RNA binding protein; plus strand). Cytogenetic location: 21q22.11.
Variant type: single nucleotide variant.
Coding change: c.2671A>G on transcript NM_138927.4 (MANE Select); coding-DNA position 2671, A replaced by G.
Protein change: p.Met891Val; replaces methionine 891 with valine.
Molecular consequence: missense variant. On other transcripts: non-coding transcript variant (1), intron variant (1).
Genome position (GRCh38, 1-based): chr21:33,551,902, A>G. VCF-style: chr21-33551902-A-G. GRCh37 (hg19) VCF-style: chr21-34924208-A-G.
Other names: c.2671A>G, p.Met891Val (NM_001291411.2, NM_032195.3); c.245-5254A>G (NM_001291412.3); short protein forms M891V.
Identifiers: ClinVar variation 1359092 (VCV001359092.8), dbSNP rs778117623, ClinGen allele CA320150736.

ClinVar aggregate classification (germline): Uncertain significance (1 of 4 stars; one submission).

Allele frequency attached by ClinVar (database versions not stated): gnomAD exomes below 0.00001; gnomAD 0.00001.

Submission:

Labcorp Genetics (formerly Invitae), Labcorp
Classification: Uncertain significance. Last evaluated: 2026-01-12. Review status: criteria provided, single submitter. Criteria: Invitae Variant Classification Sherloc (09022015). Collection method: clinical testing. Allele origin: germline.
Comment: This sequence change replaces methionine, which is neutral and non-polar, with valine, which is neutral and non-polar, at codon 891 of the SON protein (p.Met891Val). This variant is not present in population databases (gnomAD no frequency). This variant has not been reported in the literature in individuals affected with SON-related conditions. ClinVar contains an entry for this variant (Variation ID: 1359092). An algorithm developed to predict the effect of missense changes on protein structure and function (PolyPhen-2) suggests that this variant is likely to be disruptive. In summary, the available evidence is currently insufficient to determine the role of this variant in disease. Therefore, it has been classified as a Variant of Uncertain Significance.